The following is an entry in ClinVar:

ClinVar aggregate classification (germline): Uncertain significance (1 of 4 stars; one submission).

Submission:

Labcorp Genetics (formerly Invitae), Labcorp
Classification: Uncertain significance. Last evaluated: 2022-08-11. Review status: criteria provided, single submitter. Criteria: Invitae Variant Classification Sherloc (09022015). Collection method: clinical testing. Allele origin: germline.
Comment: This sequence change replaces valine, which is neutral and non-polar, with methionine, which is neutral and non-polar, at codon 516 of the PCDH15 protein (p.Val516Met). This variant is not present in population databases (gnomAD no frequency). This variant has not been reported in the literature in individuals affected with PCDH15-related conditions. Algorithms developed to predict the effect of missense changes on protein structure and function are either unavailable or do not agree on the potential impact of this missense change (SIFT: "Deleterious"; PolyPhen-2: "Probably Damaging"; Align-GVGD: "Class C0"). In summary, the available evidence is currently insufficient to determine the role of this variant in disease. Therefore, it has been classified as a Variant of Uncertain Significance.

NM_001384140.1(PCDH15):c.1546G>A (p.Val516Met)

Gene: PCDH15 (protocadherin related 15; minus strand). Cytogenetic location: 10q21.1.
Variant type: single nucleotide variant.
Coding change: c.1546G>A on transcript NM_001384140.1 (MANE Select); coding-DNA position 1546, G replaced by A.
Protein change: p.Val516Met; replaces valine 516 with methionine.
Molecular consequence: missense variant.
Genome position (GRCh38, 1-based): chr10:54,183,488, C>T on the plus strand (G>A on the coding strand, the complement: PCDH15 is on the minus strand). VCF-style: chr10-54183488-C-T. GRCh37 (hg19) VCF-style: chr10-55943248-C-T.
Other names: c.1561G>A, p.Val521Met (NM_001142763.2, NM_001142771.2); c.1546G>A, p.Val516Met (NM_001142764.2, NM_001142765.2, NM_001142766.2 and 6 more transcripts); c.1435G>A, p.Val479Met (NM_001142767.2); c.1480G>A, p.Val494Met (NM_001142768.2, NM_001142773.2, NM_001354404.2); c.1582G>A, p.Val528Met (NM_001142769.4); c.1567G>A, p.Val523Met (NM_001354411.2); short protein forms V521M, V479M, V516M, V494M, V523M, V528M.
Identifiers: ClinVar variation 1901480 (VCV001901480.5), dbSNP rs2048199284, ClinGen allele CA376514544.